The following is an entry in ClinVar:

ClinVar aggregate classification (germline): Likely pathogenic (1 of 4 stars; one submission).

Conditions:
Autosomal recessive limb-girdle muscular dystrophy type 2J (LGMDR10). Also called: Limb-girdle muscular dystrophy, type 2J; MUSCULAR DYSTROPHY, LIMB-GIRDLE, AUTOSOMAL RECESSIVE 10. Identifiers: Orphanet 140922, MedGen C1837342, MONDO:0012127, OMIM 608807.
Dilated cardiomyopathy 1G (CMD1G). Identifiers: Orphanet 154, MedGen C1858763, MONDO:0011400, OMIM 604145.

Submission:

Labcorp Genetics (formerly Invitae), Labcorp
Classification: Likely pathogenic for Dilated cardiomyopathy 1G; Autosomal recessive limb-girdle muscular dystrophy type 2J. Last evaluated: 2018-01-03. Review status: criteria provided, single submitter. Criteria: Invitae Variant Classification Sherloc (09022015). Collection method: clinical testing. Allele origin: germline.
Comment: This sequence change results in a premature translational stop signal in the TTN gene (p.Gln24880*). While this is not anticipated to result in nonsense mediated decay, it is expected to delete the last 11,112 amino acids of the TTN protein. This variant is not present in population databases (ExAC no frequency). This variant has not been reported in the literature in individuals with TTN-related disease. This variant is found in the A-band of this gene. While this particular variant has not been reported in the literature, truncating variants in the A-band of TTN are significantly overrepresented in patients with dilated cardiomyopathy and are considered to be likely pathogenic for the disease (PMID: 25589632). In summary, the currently available evidence indicates that the variant is pathogenic, but additional data are needed to prove that conclusively. Therefore, this variant has been classified as Likely Pathogenic.

Literature cited by the submitters: PubMed 25589632.

NM_001267550.2(TTN):c.74638C>T (p.Gln24880Ter)

Genes: TTN (titin; minus strand), TTN-AS1 (TTN antisense RNA 1; plus strand). Cytogenetic location: 2q31.2.
Variant type: single nucleotide variant.
Coding change: c.74638C>T on transcript NM_001267550.2 (MANE Select); coding-DNA position 74638, C replaced by T.
Protein change: p.Gln24880Ter; replaces glutamine 24880 with a stop codon.
Molecular consequence: nonsense.
Genome position (GRCh38, 1-based): chr2:178,571,494, G>A on the plus strand (C>T on the coding strand, the complement: TTN is on the minus strand). VCF-style: chr2-178571494-G-A. GRCh37 (hg19) VCF-style: chr2-179436221-G-A.
Other names: c.69715C>T, p.Gln23239Ter (NM_001256850.1); c.47443C>T, p.Gln15815Ter (NM_003319.4); c.66934C>T, p.Gln22312Ter (NM_133378.4); c.47818C>T, p.Gln15940Ter (NM_133432.3); c.48019C>T, p.Gln16007Ter (NM_133437.4); short protein forms Q24880*, Q15815*, Q16007*, Q22312*, Q15940*, Q23239*.
Identifiers: ClinVar variation 535026 (VCV000535026.1), dbSNP rs1553604869, ClinGen allele CA349632580.